The following is an entry in ClinVar:

ClinVar aggregate classification (germline): Benign/Likely benign. Review status: criteria provided, multiple submitters, no conflicts (2 of 4 stars). 4 submissions from 4 submitters: Benign (1); Likely benign (2). 1 of the submissions does not count toward it. Last evaluated 2026-01-05.

Conditions:
CACNA1B-related disorder. Also called: CACNA1B-related condition.
Neurodevelopmental disorder with seizures and nonepileptic hyperkinetic movements. Identifiers: MedGen C5193128, MONDO:0032784, OMIM 618497.

Allele frequency attached by ClinVar (database versions not stated): ESP Exome Variant Server 0.00032; TOPMed 0.00091; 1000 Genomes Project 30x 0.00141; 1000 Genomes Project 0.00160.
gnomAD v4.1: 537 of 1,606,080 alleles (0.033%); highest among the groups gnomAD compares: East Asian, 0.92%; 6 homozygotes.

Submissions (4):

Labcorp Genetics (formerly Invitae), Labcorp
Classification: Benign. Last evaluated: 2026-01-05. Review status: criteria provided, single submitter. Criteria: Invitae Variant Classification Sherloc (09022015). Collection method: clinical testing. Allele origin: germline.

Blueprint Genetics
Classification: Likely benign. Last evaluated: 2024-10-11. Review status: criteria provided, single submitter. Criteria: ACMG Guidelines, 2015. Collection method: clinical testing. Allele origin: germline.

Fulgent Genetics
Classification: Likely benign for Neurodevelopmental disorder with seizures and nonepileptic hyperkinetic movements. Last evaluated: 2022-03-17. Review status: criteria provided, single submitter. Criteria: ACMG Guidelines, 2015. Collection method: clinical testing. Allele origin: unknown.

PreventionGenetics, part of Exact Sciences
Classification: Benign for CACNA1B-related condition. Last evaluated: 2019-08-09. Review status: no assertion criteria provided. Collection method: clinical testing. Allele origin: germline. Not counted in ClinVar's aggregate classification.
Comment: This variant is classified as benign based on ACMG/AMP sequence variant interpretation guidelines (Richards et al. 2015 PMID: 25741868, with internal and published modifications).

NM_000718.4(CACNA1B):c.3279C>T (p.Val1093=)

Gene: CACNA1B (calcium voltage-gated channel subunit alpha1 B; plus strand). Cytogenetic location: 9q34.3.
Variant type: single nucleotide variant.
Coding change: c.3279C>T on transcript NM_000718.4 (MANE Select); coding-DNA position 3279, C replaced by T.
Protein change: p.Val1093=; no amino-acid change (valine 1093 retained).
Molecular consequence: synonymous variant.
Genome position (GRCh38, 1-based): chr9:138,025,165, C>T. VCF-style: chr9-138025165-C-T. GRCh37 (hg19) VCF-style: chr9-140919617-C-T.
Other names: c.3279C>T, p.Val1093= (NM_001243812.2).
Identifiers: ClinVar variation 719151 (VCV000719151.13), dbSNP rs147270326, ClinGen allele CA5376573.